The following is an entry in ClinVar:

ClinVar aggregate classification (germline): Uncertain significance (1 of 4 stars; one submission).

Submission:

Labcorp Genetics (formerly Invitae), Labcorp
Classification: Uncertain significance. Last evaluated: 2022-11-11. Review status: criteria provided, single submitter. Criteria: Invitae Variant Classification Sherloc (09022015). Collection method: clinical testing. Allele origin: unknown.
Comment: In summary, the available evidence is currently insufficient to determine the role of this variant in disease. Therefore, it has been classified as a Variant of Uncertain Significance. Experimental studies and prediction algorithms are not available or were not evaluated, and the functional significance of this variant is currently unknown. This variant has not been reported in the literature in individuals affected with EIF2AK1-related conditions. This variant is a gross deletion of the genomic region encompassing exon(s) 6-7 of the EIF2AK1 gene. This deletion is out-of-frame, and is expected to create a premature translational stop signal and result in an absent or disrupted protein product. However, the current clinical and genetic evidence is not sufficient to establish whether loss-of-function variants in EIF2AK1 cause disease.

NC_000007.13:g.(?_6084173)_(6085802_?)del

Gene: EIF2AK1 (eukaryotic translation initiation factor 2 alpha kinase 1; minus strand). Cytogenetic location: 7p22.1.
Variant type: Deletion.
Identifiers: ClinVar variation 3245906 (VCV003245906.1).